The following is an entry in ClinVar:

NM_005876.5(SPEG):c.3748G>A (p.Val1250Met)

Gene: SPEG (striated muscle enriched protein kinase; plus strand). Cytogenetic location: 2q35.
Variant type: single nucleotide variant.
Coding change: c.3748G>A on transcript NM_005876.5 (MANE Select); coding-DNA position 3748, G replaced by A.
Protein change: p.Val1250Met; replaces valine 1250 with methionine.
Molecular consequence: missense variant.
Genome position (GRCh38, 1-based): chr2:219,471,900, G>A. VCF-style: chr2-219471900-G-A. GRCh37 (hg19) VCF-style: chr2-220336622-G-A.
Other names: short protein forms V1250M.
Identifiers: ClinVar variation 2184138 (VCV002184138.2), dbSNP rs775539598, ClinGen allele CA2126275.

ClinVar aggregate classification (germline): Uncertain significance (1 of 4 stars; one submission).

Allele frequency attached by ClinVar (database versions not stated): TOPMed 0.00001; gnomAD exomes 0.00003; ExAC 0.00004; gnomAD 0.00004.
gnomAD v4.1: 52 of 1,614,040 alleles (0.0032%); highest among the groups gnomAD compares: South Asian, 0.024%; 1 homozygote.

Submission:

Labcorp Genetics (formerly Invitae), Labcorp
Classification: Uncertain significance. Last evaluated: 2022-06-12. Review status: criteria provided, single submitter. Criteria: Invitae Variant Classification Sherloc (09022015). Collection method: clinical testing. Allele origin: germline.
Comment: In summary, the available evidence is currently insufficient to determine the role of this variant in disease. Therefore, it has been classified as a Variant of Uncertain Significance. Algorithms developed to predict the effect of missense changes on protein structure and function are either unavailable or do not agree on the potential impact of this missense change (SIFT: "Deleterious"; PolyPhen-2: "Probably Damaging"; Align-GVGD: "Class C0"). This variant has not been reported in the literature in individuals affected with SPEG-related conditions. This variant is present in population databases (rs775539598, gnomAD 0.03%), including at least one homozygous and/or hemizygous individual. This sequence change replaces valine, which is neutral and non-polar, with methionine, which is neutral and non-polar, at codon 1250 of the SPEG protein (p.Val1250Met).